The following is an entry in ClinVar:

ClinVar aggregate classification (germline): Conflicting classifications of pathogenicity. Review status: criteria provided, conflicting classifications (1 of 4 stars). 3 submissions from 3 submitters: Uncertain significance (1); Likely benign (1). 1 of the submissions does not count toward it. Last evaluated 2024-12-02.

Conditions:
NEK1-related disorder. Also called: NEK1-related condition.
Short-rib thoracic dysplasia 6 with or without polydactyly (SRTD6). Also called: SHORT-RIB THORACIC DYSPLASIA 6 WITH POLYDACTYLY; SHORT-RIB THORACIC DYSPLASIA 6 WITHOUT POLYDACTYLY; POLYDACTYLY WITH NEONATAL CHONDRODYSTROPHY, TYPE II; Majewski Syndrome; SHORT RIB-POLYDACTYLY SYNDROME, TYPE IIA. Identifiers: MedGen C0024507, MONDO:0009894, OMIM 263520.

Allele frequency attached by ClinVar (database versions not stated): gnomAD exomes 0.00006 and 0.00017; ESP Exome Variant Server 0.00008; TOPMed 0.00008; gnomAD 0.00009 and 0.00011; ExAC 0.00013; 1000 Genomes Project 30x 0.00016; 1000 Genomes Project 0.00020.
gnomAD v4.1: 260 of 1,608,710 alleles (0.016%); highest among the groups gnomAD compares: Non-Finnish European, 0.022%; no homozygotes.

Submissions (3):

Labcorp Genetics (formerly Invitae), Labcorp
Classification: Likely benign for Short-rib thoracic dysplasia 6 with or without polydactyly. Last evaluated: 2024-12-02. Review status: criteria provided, single submitter. Criteria: Invitae Variant Classification Sherloc (09022015). Collection method: clinical testing. Allele origin: germline.

ARUP Laboratories, Molecular Genetics and Genomics, ARUP Laboratories
Classification: Uncertain significance. Last evaluated: 2024-03-22. Review status: criteria provided, single submitter. Criteria: ARUP Molecular Germline Variant Investigation Process 2024. Collection method: clinical testing. Allele origin: germline.
Comment: The NEK1 c.2375G>A; p.Gly792Asp variant (rs200643637), to our knowledge, is not reported in association with skeletal dysplasia in the medical literature but is reported in ClinVar (Variation ID: 648265). This variant is found in the non-Finnish European population with an allele frequency of 0.015% (19/124,858 alleles) in the Genome Aggregation Database (v2.1.1). Computational analyses predict that this variant is neutral (REVEL: 0.078). However, given the lack of clinical and functional data, the significance of this variant is uncertain at this time.

PreventionGenetics, part of Exact Sciences
Classification: Uncertain significance for NEK1-related condition. Last evaluated: 2023-12-07. Review status: no assertion criteria provided. Collection method: clinical testing. Allele origin: germline. Not counted in ClinVar's aggregate classification.
Comment: The NEK1 c.2291G>A variant is predicted to result in the amino acid substitution p.Gly764Asp. To our knowledge, this variant has not been reported in the literature. This variant is reported in 0.015% of alleles in individuals of European (Non-Finnish) descent in gnomAD. At this time, the clinical significance of this variant is uncertain due to the absence of conclusive functional and genetic evidence.

NM_001199397.3(NEK1):c.2375G>A (p.Gly792Asp)

Gene: NEK1 (NIMA related kinase 1; minus strand). Cytogenetic location: 4q33.
Variant type: single nucleotide variant.
Coding change: c.2375G>A on transcript NM_001199397.3 (MANE Select); coding-DNA position 2375, G replaced by A.
Protein change: p.Gly792Asp; replaces glycine 792 with aspartic acid.
Molecular consequence: missense variant. On other transcripts: non-coding transcript variant (1).
Genome position (GRCh38, 1-based): chr4:169,477,183, C>T on the plus strand (G>A on the coding strand, the complement: NEK1 is on the minus strand). VCF-style: chr4-169477183-C-T. GRCh37 (hg19) VCF-style: chr4-170398334-C-T.
Other names: c.2243G>A, p.Gly748Asp (NM_001199398.3); c.2084G>A, p.Gly695Asp (NM_001199399.3); c.2159G>A, p.Gly720Asp (NM_001199400.3); c.2375G>A, p.Gly792Asp (NM_001374418.1); c.2291G>A, p.Gly764Asp (NM_001374419.1, NM_012224.4); c.2240G>A, p.Gly747Asp (NM_001374420.1); c.2069G>A, p.Gly690Asp (NM_001374421.1); c.2291G>A (NM_012224.2); short protein forms G695D, G720D, G748D, G792D, G764D, G690D, G747D.
Identifiers: ClinVar variation 648265 (VCV000648265.14), dbSNP rs200643637, ClinGen allele CA3137431.
Genomic context (GRCh38, chr4:169,477,183, plus strand): 5'-CTTTCAGTTGTAGAGAAGGATGTATCTAGTGTTAACTCATCCAGAGGAATCACAAGTTGA[C>T]CTCCTGCCTCCCACTTCTTGCGATCAGATGAAACTGATTTTTCTTTTTCATGCTCTTTGG-3'
Protein context (NP_001186326.1, residues 782-802): SSDRKKWEAG[Gly792Asp]QLVIPLDELT